The following is an entry in ClinVar:

NM_000051.4(ATM):c.4797A>G (p.Ser1599=)

Gene: ATM (ATM serine/threonine kinase; plus strand). Cytogenetic location: 11q22.3.
Variant type: single nucleotide variant.
Coding change: c.4797A>G on transcript NM_000051.4 (MANE Select); coding-DNA position 4797, A replaced by G.
Protein change: p.Ser1599=; no amino-acid change (serine 1599 retained).
Molecular consequence: synonymous variant.
Genome position (GRCh38, 1-based): chr11:108,294,947, A>G. VCF-style: chr11-108294947-A-G. GRCh37 (hg19) VCF-style: chr11-108165674-A-G.
Other names: c.4797A>G, p.Ser1599= (NM_001351834.2).
Identifiers: ClinVar variation 3254502 (VCV003254502.2), dbSNP rs1371876868.

ClinVar aggregate classification (germline): Benign/Likely benign. Review status: criteria provided, multiple submitters, no conflicts (2 of 4 stars). 2 submissions from 2 submitters: Benign (1); Likely benign (1). Last evaluated 2025-03-13.

Conditions:
Hereditary cancer-predisposing syndrome. Also called: Hereditary Cancer Syndrome; Tumor predisposition; Hereditary neoplastic syndrome; Neoplastic Syndromes, Hereditary. Identifiers: Orphanet 140162, MedGen C0027672, MeSH D009386, MONDO:0015356.
Familial cancer of breast. Also called: BREAST CANCER, FAMILIAL; Hereditary breast cancer; hereditary breast carcinoma. Identifiers: Orphanet 227535, MedGen C0346153, MONDO:0016419, OMIM 114480. Disease mechanism: loss of function.

Submissions (2):

Ambry Genetics
Classification: Likely benign for Hereditary cancer-predisposing syndrome. Last evaluated: 2025-03-13. Review status: criteria provided, single submitter. Criteria: Ambry Variant Classification Scheme 2023. Collection method: clinical testing. Allele origin: germline.

Myriad Genetics, Inc.
Classification: Benign for Familial cancer of breast. Last evaluated: 2024-05-21. Review status: criteria provided, single submitter. Criteria: Myriad Autosomal Dominant, Autosomal Recessive and X-Linked Classification Criteria (2023). Collection method: clinical testing. Allele origin: unknown.
Comment: This variant is considered benign. This variant is a silent/synonymous amino acid change and it is not expected to impact splicing.